The following is an entry in ClinVar:

ClinVar aggregate classification (germline): Uncertain significance. Review status: criteria provided, multiple submitters, no conflicts (2 of 4 stars). 2 submissions from 2 submitters: Uncertain significance (2). Last evaluated 2026-02-24.

Conditions:
Distal myopathy with posterior leg and anterior hand involvement. Also called: WILLIAMS DISTAL MYOPATHY. Identifiers: Orphanet 63273, MedGen C3279722, MONDO:0013550, OMIM 614065.
Myofibrillar myopathy 5. Also called: Filaminopathy (type); FILAMINOPATHY, AUTOSOMAL DOMINANT. Identifiers: Orphanet 171445, MedGen C1836050, MONDO:0012289, OMIM 609524.
Hypertrophic cardiomyopathy 26. Also called: Cardiomyopathy, familial hypertrophic, 26. Identifiers: Orphanet 75249, MedGen C4310749, MONDO:0014883, OMIM 617047.
Primary dilated cardiomyopathy (DCM). Also called: Dilated Cardiomyopathy. Identifiers: Orphanet 217604, MedGen C0007193, MeSH D002311, MONDO:0005021, HP:0001644. Inheritance: Various modes of inheritance.

Submissions (2):

Dasa
Classification: Uncertain significance for dilated cardiomyopathy. Last evaluated: 2026-02-24. Review status: criteria provided, single submitter. Criteria: DASA Assertion Criteria. Collection method: clinical testing. Allele origin: germline.
Comment: NM_001458.5(FLNC):c.5045T>G (p.Val1682Gly) is a missense variant that results in the substitution of valine with glycine. This variant is rare in population databases. Computational prediction algorithms are consistent with a deleterious effect. The currently available literature and clinical evidence are not sufficient to establish a definitive association between this variant and the reported condition. Therefore, this variant is classified as a variant of uncertain significance.

Labcorp Genetics (formerly Invitae), Labcorp
Classification: Uncertain significance for Distal myopathy with posterior leg and anterior hand involvement; Myofibrillar myopathy 5; Hypertrophic cardiomyopathy 26. Last evaluated: 2025-01-22. Review status: criteria provided, single submitter. Criteria: Invitae Variant Classification Sherloc (09022015). Collection method: clinical testing. Allele origin: germline.
Comment: This sequence change replaces valine, which is neutral and non-polar, with glycine, which is neutral and non-polar, at codon 1682 of the FLNC protein (p.Val1682Gly). This variant is not present in population databases (gnomAD no frequency). This variant has not been reported in the literature in individuals affected with FLNC-related conditions. Invitae Evidence Modeling of protein sequence and biophysical properties (such as structural, functional, and spatial information, amino acid conservation, physicochemical variation, residue mobility, and thermodynamic stability) has been performed for this missense variant. However, the output from this modeling did not meet the statistical confidence thresholds required to predict the impact of this variant on FLNC protein function. In summary, the available evidence is currently insufficient to determine the role of this variant in disease. Therefore, it has been classified as a Variant of Uncertain Significance.

NM_001458.5(FLNC):c.5045T>G (p.Val1682Gly)

Gene: FLNC (filamin C; plus strand). Cytogenetic location: 7q32.1.
Variant type: single nucleotide variant.
Coding change: c.5045T>G on transcript NM_001458.5 (MANE Select); coding-DNA position 5045, T replaced by G.
Protein change: p.Val1682Gly; replaces valine 1682 with glycine.
Molecular consequence: missense variant.
Genome position (GRCh38, 1-based): chr7:128,849,424, T>G. VCF-style: chr7-128849424-T-G. GRCh37 (hg19) VCF-style: chr7-128489478-T-G.
Other names: c.5045T>G, p.Val1682Gly (NM_001127487.2); short protein forms V1682G.
Identifiers: ClinVar variation 3761965 (VCV003761965.4).